The following is an entry in ClinVar:

NM_000520.6(HEXA):c.1421+6G>C

Gene: HEXA (hexosaminidase subunit alpha; minus strand). Cytogenetic location: 15q23.
Variant type: single nucleotide variant.
Coding change: c.1421+6G>C on transcript NM_000520.6 (MANE Select); 6 bases into the intron after coding-DNA position 1421, G replaced by C.
Molecular consequence: intron variant.
Genome position (GRCh38, 1-based): chr15:72,346,229, C>G on the plus strand (G>C on the coding strand, the complement: HEXA is on the minus strand). VCF-style: chr15-72346229-C-G. GRCh37 (hg19) VCF-style: chr15-72638570-C-G.
Other names: c.1454+6G>C (NM_001318825.2).
Identifiers: ClinVar variation 2188980 (VCV002188980.2), dbSNP rs1035068915, ClinGen allele CA272609677.

ClinVar aggregate classification (germline): Uncertain significance (1 of 4 stars; one submission).

Conditions:
Tay-Sachs disease (TSD). Also called: GM2 gangliosidosis, type 1; Hexosaminidase alpha-subunit deficiency (variant B); Sphingolipidosis, Tay-Sachs; HEXA DEFICIENCY; Hexosaminidase A Deficiency; HEXA Disorders. Identifiers: Orphanet 845, MedGen C0039373, MONDO:0010100, OMIM 272800.

gnomAD v4.1: 10 of 1,611,864 alleles (0.00062%); highest among the groups gnomAD compares: South Asian, 0.0033%; no homozygotes.

Submission:

Labcorp Genetics (formerly Invitae), Labcorp
Classification: Uncertain significance for Tay-Sachs disease. Last evaluated: 2024-11-11. Review status: criteria provided, single submitter. Criteria: Invitae Variant Classification Sherloc (09022015). Collection method: clinical testing. Allele origin: germline.
Comment: This sequence change falls in intron 12 of the HEXA gene. It does not directly change the encoded amino acid sequence of the HEXA protein. It affects a nucleotide within the consensus splice site. This variant is not present in population databases (gnomAD no frequency). This variant has not been reported in the literature in individuals affected with HEXA-related conditions. ClinVar contains an entry for this variant (Variation ID: 2188980). Variants that disrupt the consensus splice site are a relatively common cause of aberrant splicing (PMID: 17576681, 9536098). Algorithms developed to predict the effect of sequence changes on RNA splicing suggest that this variant is not likely to affect RNA splicing. In summary, the available evidence is currently insufficient to determine the role of this variant in disease. Therefore, it has been classified as a Variant of Uncertain Significance.

Literature cited by the submitters: PubMed 17576681; PubMed 9536098.